The following is an entry in ClinVar:

NM_001846.4(COL4A2):c.3454+5A>T

Gene: COL4A2 (collagen type IV alpha 2 chain; plus strand). Cytogenetic location: 13q34.
Variant type: single nucleotide variant.
Coding change: c.3454+5A>T on transcript NM_001846.4 (MANE Select); 5 bases into the intron after coding-DNA position 3454, A replaced by T.
Molecular consequence: intron variant.
Genome position (GRCh38, 1-based): chr13:110,491,345, A>T. VCF-style: chr13-110491345-A-T. GRCh37 (hg19) VCF-style: chr13-111143692-A-T.
Identifiers: ClinVar variation 2503280 (VCV002503280.1), dbSNP rs2502181222, ClinGen allele CA2575455550.

ClinVar aggregate classification (germline): Uncertain significance (1 of 4 stars; one submission).

gnomAD v4.1: 1 of 1,557,976 alleles (0.000064%); no homozygotes.

Submission:

GeneDx
Classification: Uncertain significance. Last evaluated: 2022-11-23. Review status: criteria provided, single submitter. Criteria: GeneDx Variant Classification Process June 2021. Collection method: clinical testing. Allele origin: germline. Affected: yes.
Comment: Not observed at significant frequency in large population cohorts (gnomAD); In silico analysis supports that this variant does not alter splicing; Has not been previously published as pathogenic or benign to our knowledge